The following is an entry in ClinVar:

NM_001374385.1(ATP8B1):c.1631-1G>C

Gene: ATP8B1 (ATPase phospholipid transporting 8B1; minus strand). Cytogenetic location: 18q21.31.
Variant type: single nucleotide variant.
Coding change: c.1631-1G>C on transcript NM_001374385.1 (MANE Select); the canonical splice acceptor site of the intron before coding-DNA position 1631, G replaced by C.
Molecular consequence: splice acceptor variant.
Genome position (GRCh38, 1-based): chr18:57,675,023, C>G on the plus strand (G>C on the coding strand, the complement: ATP8B1 is on the minus strand). VCF-style: chr18-57675023-C-G. GRCh37 (hg19) VCF-style: chr18-55342255-C-G.
Other names: c.1631-1G>C (NM_005603.6); c.1481-1G>C (NM_001374386.1).
Identifiers: ClinVar variation 2776601 (VCV002776601.3), dbSNP rs1388531012, ClinGen allele CA402562072.

ClinVar aggregate classification (germline): Likely pathogenic (1 of 4 stars; one submission).

Allele frequency attached by ClinVar (database versions not stated): gnomAD exomes below 0.00001.
gnomAD v4.1: 1 of 1,613,952 alleles (0.000062%); highest among the groups gnomAD compares: Non-Finnish European, 0.000085%; no homozygotes.

Submission:

Labcorp Genetics (formerly Invitae), Labcorp
Classification: Likely pathogenic. Last evaluated: 2023-09-10. Review status: criteria provided, single submitter. Criteria: Invitae Variant Classification Sherloc (09022015). Collection method: clinical testing. Allele origin: germline.
Comment: In summary, the currently available evidence indicates that the variant is pathogenic, but additional data are needed to prove that conclusively. Therefore, this variant has been classified as Likely Pathogenic. Algorithms developed to predict the effect of sequence changes on RNA splicing suggest that this variant may disrupt the consensus splice site. This variant has not been reported in the literature in individuals affected with ATP8B1-related conditions. This variant is present in population databases (no rsID available, gnomAD 0.0009%). This sequence change affects an acceptor splice site in intron 15 of the ATP8B1 gene. It is expected to disrupt RNA splicing. Variants that disrupt the donor or acceptor splice site typically lead to a loss of protein function (PMID: 16199547), and loss-of-function variants in ATP8B1 are known to be pathogenic (PMID: 15239083, 22525741).

Literature cited by the submitters: PubMed 16199547; PubMed 15239083; PubMed 22525741.